The following is an entry in ClinVar:

ClinVar aggregate classification (germline): Benign (3 of 4 stars; one submission).

Conditions:
Breast-ovarian cancer, familial, susceptibility to, 2 (BROVCA2). Also called: BRCA2 Hereditary Breast and Ovarian Cancer. Identifiers: Orphanet 145, MedGen C2675520, MONDO:0012933, OMIM 612555. Disease mechanism: loss of function.

Allele frequency attached by ClinVar (database versions not stated): TOPMed 0.25171; gnomAD 0.25644 and 0.26267; 1000 Genomes Project 0.20887; 1000 Genomes Project 30x 0.21096.
gnomAD v4.1: 38,936 of 152,008 alleles (26%); highest among the groups gnomAD compares: Non-Finnish European, 27%; 5,222 homozygotes.

Submission:

Evidence-based Network for the Interpretation of Germline Mutant Alleles (ENIGMA)
Classification: Benign for Breast-ovarian cancer, familial 2. Last evaluated: 2015-01-12. Review status: reviewed by expert panel. Criteria: ENIGMA BRCA1/2 Classification Criteria (2015). Collection method: curation. Allele origin: germline.
Comment: Class 1 not pathogenic based on frequency >1% in an outbred sampleset. Frequency 0.06294 (Asian), 0.3293 (African), 0.2836 (European), derived from 1000 genomes (2012-04-30).

NM_000059.4(BRCA2):c.9256+1827G>A

Gene: BRCA2 (BRCA2 DNA repair associated; plus strand). Cytogenetic location: 13q13.1.
Variant type: single nucleotide variant.
Coding change: c.9256+1827G>A on transcript NM_000059.4 (MANE Select); 1827 bases into the intron after coding-DNA position 9256, G replaced by A.
Molecular consequence: intron variant.
Genome position (GRCh38, 1-based): chr13:32,381,972, G>A. VCF-style: chr13-32381972-G-A. GRCh37 (hg19) VCF-style: chr13-32956109-G-A.
Other names: IVS 24+1827G>A.
Identifiers: ClinVar variation 209853 (VCV000209853.1), dbSNP rs10870659, ClinGen allele CA276821.